The following is an entry in ClinVar:

ClinVar aggregate classification (germline): Conflicting classifications of pathogenicity. Review status: criteria provided, conflicting classifications (1 of 4 stars). 5 submissions from 5 submitters: Likely pathogenic (1); Uncertain significance (4). Last evaluated 2025-11-10.

Conditions:
EHHADH-related disorder. Also called: EHHADH-related condition.
Fanconi renotubular syndrome 3 (FRTS3). Identifiers: MedGen C3810100, MONDO:0014275, OMIM 615605.

Allele frequency attached by ClinVar (database versions not stated): gnomAD exomes 0.00003 and 0.00019; gnomAD 0.00004 and 0.00005; TOPMed 0.00011; ExAC 0.00020.

Submissions (5):

PreventionGenetics, part of Exact Sciences
Classification: Uncertain significance for EHHADH-related condition. Last evaluated: 2025-11-10. Review status: criteria provided, single submitter. Criteria: ACMG Guidelines, 2015. Collection method: clinical testing. Allele origin: germline.
Comment: The EHHADH c.117delT variant is predicted to result in premature protein termination (p.Val40*). To our knowledge, this variant has not been reported in the literature. This variant is reported in 0.25% of alleles in individuals of East Asian descent in gnomAD. Although we suspect that this variant may be benign, at this time, the clinical significance of this variant is uncertain due to the absence of conclusive functional and genetic evidence.

Genesolutions, Medical Genetics Institutes, Ho Chi Minh City, Vietnam
Classification: Likely pathogenic for Fanconi renotubular syndrome 3. Last evaluated: 2025-09-24. Review status: criteria provided, single submitter. Criteria: ACMG Guidelines, 2015. Collection method: clinical testing. Allele origin: germline. Affected: yes.

Fulgent Genetics
Classification: Uncertain significance for Fanconi renotubular syndrome 3. Last evaluated: 2022-02-22. Review status: criteria provided, single submitter. Criteria: ACMG Guidelines, 2015. Collection method: clinical testing. Allele origin: unknown.

Department of Pathology and Laboratory Medicine, Sinai Health System
Classification: Uncertain significance for Fanconi renotubular syndrome 3. Last evaluated: 2021-07-30. Review status: criteria provided, single submitter. Criteria: ACMG Guidelines, 2015. Collection method: research. Allele origin: germline.

Eurofins Ntd Llc (ga)
Classification: Uncertain significance. Last evaluated: 2018-08-27. Review status: criteria provided, single submitter. Criteria: EGL ClinVar v180209 classification definitions. Collection method: clinical testing. Allele origin: germline. Observed: 1 variant allele, 1 heterozygote.

NM_001966.4(EHHADH):c.117del (p.Ala39_Val40insTer)

Gene: EHHADH (enoyl-CoA hydratase and 3-hydroxyacyl CoA dehydrogenase; minus strand). Cytogenetic location: 3q27.2.
Variant type: Deletion.
Coding change: c.117del on transcript NM_001966.4 (MANE Select); coding-DNA position 117, one base deleted (T; older notation c.117delT).
Protein change: p.Ala39_Val40insTer.
Molecular consequence: frameshift variant. On other transcripts: 5 prime UTR variant (1).
Genome position (GRCh38, 1-based): chr3:185,248,475, A deleted on the plus strand (T on the coding strand, the reverse complement: EHHADH is on the minus strand). VCF-style (leftmost placement, unchanged base first): chr3-185248474-CA-C. GRCh37 (hg19) VCF-style: chr3-184966262-CA-C.
Other names: c.-172del (NM_001166415.2); c.117delT (NM_001966.3).
Identifiers: ClinVar variation 598561 (VCV000598561.9), dbSNP rs771955031, ClinGen allele CA2739319.